The following is an entry in ClinVar:

NM_006393.3(NEBL):c.424A>G (p.Met142Val)

Gene: NEBL (nebulette; minus strand). Cytogenetic location: 10p12.31.
Variant type: single nucleotide variant.
Coding change: c.424A>G on transcript NM_006393.3 (MANE Select); coding-DNA position 424, A replaced by G.
Protein change: p.Met142Val; replaces methionine 142 with valine.
Molecular consequence: missense variant. On other transcripts: intron variant (9).
Genome position (GRCh38, 1-based): chr10:20,880,850, T>C on the plus strand (A>G on the coding strand, the complement: NEBL is on the minus strand). VCF-style: chr10-20880850-T-C. GRCh37 (hg19) VCF-style: chr10-21169779-T-C.
Other names: c.250-67910A>G (NM_001377326.1, NM_001377327.1, NM_001377328.1); c.358-67910A>G (NM_213569.2, NM_001173484.2, NM_001377322.1); c.301-67910A>G (NM_001377324.1); c.292-67910A>G (NM_001377325.1); c.310-67910A>G (NM_001377323.1); short protein forms M142V.
Identifiers: ClinVar variation 1739061 (VCV001739061.2), dbSNP rs773460701, ClinGen allele CA5433255.

ClinVar aggregate classification (germline): Uncertain significance (1 of 4 stars; one submission).

Allele frequency attached by ClinVar (database versions not stated): TOPMed below 0.00001.

Submission:

Ambry Genetics
Classification: Uncertain significance. Last evaluated: 2024-01-11. Review status: criteria provided, single submitter. Criteria: Ambry Variant Classification Scheme 2023. Collection method: clinical testing. Allele origin: germline.
Comment: The p.M142V variant (also known as c.424A>G), located in coding exon 5 of the NEBL gene, results from an A to G substitution at nucleotide position 424. The methionine at codon 142 is replaced by valine, an amino acid with highly similar properties. This amino acid position is conserved. In addition, this alteration is predicted to be tolerated by in silico analysis. Since supporting evidence is limited at this time, the clinical significance of this alteration remains unclear.